The following is an entry in ClinVar:

ClinVar aggregate classification (germline): Uncertain significance (1 of 4 stars; one submission).

Submission:

Labcorp Genetics (formerly Invitae), Labcorp
Classification: Uncertain significance. Last evaluated: 2023-11-19. Review status: criteria provided, single submitter. Criteria: Invitae Variant Classification Sherloc (09022015). Collection method: clinical testing. Allele origin: germline.
Comment: This sequence change creates a premature translational stop signal (p.Gln205*) in the RNF213 gene. It is expected to result in an absent or disrupted protein product. However, the current clinical and genetic evidence is not sufficient to establish whether loss-of-function variants in RNF213 cause disease. This variant is not present in population databases (gnomAD no frequency). This variant has not been reported in the literature in individuals affected with RNF213-related conditions. In summary, the available evidence is currently insufficient to determine the role of this variant in disease. Therefore, it has been classified as a Variant of Uncertain Significance.

NM_001256071.3(RNF213):c.613C>T (p.Gln205Ter)

Gene: RNF213 (ring finger protein 213; plus strand). Cytogenetic location: 17q25.3.
Variant type: single nucleotide variant.
Coding change: c.613C>T on transcript NM_001256071.3 (MANE Select); coding-DNA position 613, C replaced by T.
Protein change: p.Gln205Ter; replaces glutamine 205 with a stop codon.
Molecular consequence: nonsense.
Genome position (GRCh38, 1-based): chr17:80,288,166, C>T. VCF-style: chr17-80288166-C-T. GRCh37 (hg19) VCF-style: chr17-78261965-C-T.
Other names: c.760C>T, p.Gln254Ter (NM_001410195.1, NM_020914.5); c.613C>T, p.Gln205Ter (NM_020954.4); short protein forms Q205*, Q254*.
Identifiers: ClinVar variation 2695247 (VCV002695247.3), dbSNP rs2511117369, ClinGen allele CA401367542.